The following is an entry in ClinVar:

NM_007078.3(LDB3):c.2173A>C (p.Ile725Leu)

Gene: LDB3 (LIM domain binding 3; plus strand). Cytogenetic location: 10q23.2.
Variant type: single nucleotide variant.
Coding change: c.2173A>C on transcript NM_007078.3 (MANE Select); coding-DNA position 2173, A replaced by C.
Protein change: p.Ile725Leu; replaces isoleucine 725 with leucine.
Molecular consequence: missense variant.
Genome position (GRCh38, 1-based): chr10:86,732,965, A>C. VCF-style: chr10-86732965-A-C. GRCh37 (hg19) VCF-style: chr10-88492722-A-C.
Other names: c.1843A>C, p.Ile615Leu (NM_001080114.2); c.2188A>C, p.Ile730Leu (NM_001171610.2); c.1984A>C, p.Ile662Leu (NM_001368064.1, NM_001368065.1); c.2032A>C, p.Ile678Leu (NM_001368066.1); short protein forms I678L, I615L, I662L, I725L, I730L.
Identifiers: ClinVar variation 970070 (VCV000970070.1), dbSNP rs1554870749, ClinGen allele CA377460534.

ClinVar aggregate classification (germline): Uncertain significance (1 of 4 stars; one submission).

Conditions:
Myofibrillar myopathy 4. Also called: Zaspopathy (type). Identifiers: Orphanet 98912, MedGen C4721886, MONDO:0012277, OMIM 609452.

gnomAD v4.1: 24 of 1,613,390 alleles (0.0015%); highest among the groups gnomAD compares: Non-Finnish European, 0.002%; no homozygotes.

Submission:

Labcorp Genetics (formerly Invitae), Labcorp
Classification: Uncertain significance for Late-onset distal myopathy Markesbery Griggs type. Last evaluated: 2019-04-16. Review status: criteria provided, single submitter. Criteria: Invitae Variant Classification Sherloc (09022015). Collection method: clinical testing. Allele origin: germline.
Comment: This sequence change replaces isoleucine with leucine at codon 725 of the LDB3 protein (p.Ile725Leu). The isoleucine residue is highly conserved and there is a small physicochemical difference between isoleucine and leucine. The LDB3 gene has multiple clinically relevant transcripts. The p.Ile725Leu variant occurs in alternate transcript NM_007078.2, which corresponds to c.*33591A>C in NM_001080116.1, the primary transcript listed in the Methods. This variant is not present in population databases (ExAC no frequency). This variant has not been reported in the literature in individuals with LDB3-related conditions. Algorithms developed to predict the effect of missense changes on protein structure and function are either unavailable or do not agree on the potential impact of this missense change (SIFT: "Deleterious"; PolyPhen-2: "Not Available"; Align-GVGD: "Class C0"). In summary, the available evidence is currently insufficient to determine the role of this variant in disease. Therefore, it has been classified as a Variant of Uncertain Significance.